The following is an entry in ClinVar:

ClinVar aggregate classification (germline): Likely benign. Review status: criteria provided, multiple submitters, no conflicts (2 of 4 stars). 3 submissions from 3 submitters: Likely benign (2). 1 of the submissions does not count toward it. Last evaluated 2024-04-25.

Conditions:
NPHP4-related disorder. Also called: NPHP4-related disorders; NPHP4-related condition. Identifiers: MedGen CN239384.
Nephronophthisis. Also called: Juvenile Nephronophthisis. Identifiers: Orphanet 655, MedGen C0687120, MONDO:0019005, HP:0000090.

gnomAD v4.1: 20 of 1,587,038 alleles (0.0013%); highest among the groups gnomAD compares: African/African-American, 0.012%; no homozygotes.

Submissions (3):

Labcorp Genetics (formerly Invitae), Labcorp
Classification: Likely benign for Nephronophthisis. Last evaluated: 2024-04-25. Review status: criteria provided, single submitter. Criteria: Invitae Variant Classification Sherloc (09022015). Collection method: clinical testing. Allele origin: germline.

Blueprint Genetics
Classification: Likely benign. Last evaluated: 2023-11-28. Review status: criteria provided, single submitter. Criteria: ACMG Guidelines, 2015. Collection method: clinical testing. Allele origin: germline.

PreventionGenetics, part of Exact Sciences
Classification: Likely benign for NPHP4-related condition. Last evaluated: 2023-12-04. Review status: no assertion criteria provided. Collection method: clinical testing. Allele origin: germline. Not counted in ClinVar's aggregate classification.
Comment: This variant is classified as likely benign based on ACMG/AMP sequence variant interpretation guidelines (Richards et al. 2015 PMID: 25741868, with internal and published modifications).

NM_015102.5(NPHP4):c.2612-4G>T

Gene: NPHP4 (nephrocystin 4; minus strand). Cytogenetic location: 1p36.31.
Variant type: single nucleotide variant.
Coding change: c.2612-4G>T on transcript NM_015102.5 (MANE Select); 4 bases into the intron before coding-DNA position 2612, G replaced by T.
Molecular consequence: intron variant.
Genome position (GRCh38, 1-based): chr1:5,877,302, C>A on the plus strand (G>T on the coding strand, the complement: NPHP4 is on the minus strand). VCF-style: chr1-5877302-C-A. GRCh37 (hg19) VCF-style: chr1-5937362-C-A.
Other names: c.1076-4G>T (NM_001291594.2); c.1073-4G>T (NM_001291593.2); c.2612-4G>T (NM_015102.4).
Identifiers: ClinVar variation 1617680 (VCV001617680.11), dbSNP rs776912822, ClinGen allele CA17137994.